The following is an entry in ClinVar:

ClinVar aggregate classification (germline): Pathogenic/Likely pathogenic. Review status: criteria provided, multiple submitters, no conflicts (2 of 4 stars). 2 submissions from 2 submitters: Pathogenic (1); Likely pathogenic (1). Last evaluated 2024-08-15.

Submissions (2):

GeneDx
Classification: Likely pathogenic. Last evaluated: 2024-08-15. Review status: criteria provided, single submitter. Criteria: GeneDx Variant Classification Process June 2021. Collection method: clinical testing. Allele origin: germline. Affected: yes.
Comment: Frameshift variant predicted to result in protein truncation or nonsense mediated decay in a gene for which loss of function is a known mechanism of disease; Not observed at significant frequency in large population cohorts (gnomAD); Has not been previously published as pathogenic or benign to our knowledge

Labcorp Genetics (formerly Invitae), Labcorp
Classification: Pathogenic. Last evaluated: 2024-01-29. Review status: criteria provided, single submitter. Criteria: Invitae Variant Classification Sherloc (09022015). Collection method: clinical testing. Allele origin: germline.
Comment: This sequence change creates a premature translational stop signal (p.Ser1209Valfs*26) in the ALPK3 gene. It is expected to result in an absent or disrupted protein product. Loss-of-function variants in ALPK3 are known to be pathogenic (PMID: 21441111, 26846950, 27106955, 34263907). This variant is not present in population databases (gnomAD no frequency). This variant has not been reported in the literature in individuals affected with ALPK3-related conditions. For these reasons, this variant has been classified as Pathogenic.

Literature cited by the submitters: PubMed 21441111 (cited by Labcorp Genetics (formerly Invitae), Labcorp); PubMed 26846950 (cited by Labcorp Genetics (formerly Invitae), Labcorp); PubMed 27106955 (cited by Labcorp Genetics (formerly Invitae), Labcorp); PubMed 34263907 (cited by Labcorp Genetics (formerly Invitae), Labcorp).

NM_020778.5(ALPK3):c.3015del (p.Ser1007fs)

Gene: ALPK3 (alpha kinase 3; plus strand). Cytogenetic location: 15q25.3.
Variant type: Deletion.
Coding change: c.3015del on transcript NM_020778.5 (MANE Select); coding-DNA position 3015, one base deleted (G; older notation c.3015delG).
Protein change: p.Ser1007fs; shifts the reading frame from serine 1007.
Molecular consequence: frameshift variant.
Genome position (GRCh38, 1-based): chr15:84,857,753, G deleted; the last of 3 consecutive G bases (chr15:84,857,751-84,857,753); deleting any one gives the same sequence. VCF-style (leftmost placement, unchanged base first): chr15-84857750-TG-T. GRCh37 (hg19) VCF-style: chr15-85400981-TG-T.
Other names: short protein forms S1007fs.
Identifiers: ClinVar variation 2714096 (VCV002714096.4), dbSNP rs2505721119, ClinGen allele CA2697549275.